The following is an entry in ClinVar:

NM_012210.4(TRIM32):c.1857G>A (p.Pro619=)

Genes: ASTN2 (astrotactin 2; minus strand), TRIM32 (tripartite motif containing 32; plus strand). Cytogenetic location: 9q33.1.
Variant type: single nucleotide variant.
Coding change: c.1857G>A on transcript NM_012210.4 (MANE Select); coding-DNA position 1857, G replaced by A.
Protein change: p.Pro619=; no amino-acid change (proline 619 retained).
Molecular consequence: synonymous variant. On other transcripts: intron variant (3).
Genome position (GRCh38, 1-based): chr9:116,699,599, G>A. VCF-style: chr9-116699599-G-A. GRCh37 (hg19) VCF-style: chr9-119461878-G-A.
Other names: c.1857G>A, p.Pro619= (NM_001099679.2, NM_001379048.1, NM_001379049.1 and 1 more transcripts); c.2653+26172C>T (NM_014010.5); c.2794+26172C>T (NM_001365069.1); c.2806+26172C>T (NM_001365068.1).
Identifiers: ClinVar variation 581559 (VCV000581559.14), dbSNP rs746299779, ClinGen allele CA5211220.

ClinVar aggregate classification (germline): Conflicting classifications of pathogenicity. Review status: criteria provided, conflicting classifications (1 of 4 stars). 3 submissions from 3 submitters: Uncertain significance (1); Likely benign (2). Last evaluated 2025-12-15.

Conditions:
TRIM32-related disorder. Also called: TRIM32-related condition.
Bardet-Biedl syndrome (BBS). Identifiers: Orphanet 110, MedGen C0752166, MONDO:0015229.

Allele frequency attached by ClinVar (database versions not stated): gnomAD 0.00002; TOPMed 0.00003; ExAC 0.00005; gnomAD exomes 0.00005.
gnomAD v4.1: 44 of 1,614,058 alleles (0.0027%); highest among the groups gnomAD compares: Admixed American, 0.015%; no homozygotes.

Submissions (3):

Labcorp Genetics (formerly Invitae), Labcorp
Classification: Likely benign for Bardet-Biedl syndrome. Last evaluated: 2025-12-15. Review status: criteria provided, single submitter. Criteria: Invitae Variant Classification Sherloc (09022015). Collection method: clinical testing. Allele origin: germline.

PreventionGenetics, part of Exact Sciences
Classification: Likely benign for TRIM32-related condition. Last evaluated: 2025-01-16. Review status: criteria provided, single submitter. Criteria: ACMG Guidelines, 2015. Collection method: clinical testing. Allele origin: germline.
Comment: This variant is classified as likely benign based on ACMG/AMP sequence variant interpretation guidelines (Richards et al. 2015 PMID: 25741868, with internal and published modifications).

Eurofins Ntd Llc (ga)
Classification: Uncertain significance. Last evaluated: 2017-08-07. Review status: criteria provided, single submitter. Criteria: EGL Classification Definitions 2015. Collection method: clinical testing. Allele origin: germline. Observed: 1 variant allele, 1 heterozygote.